The following is an entry in ClinVar:

NM_001083619.3(GRIA2):c.830G>A (p.Trp277Ter)

Gene: GRIA2 (glutamate ionotropic receptor AMPA type subunit 2; plus strand). Cytogenetic location: 4q32.1.
Variant type: single nucleotide variant.
Coding change: c.830G>A on transcript NM_001083619.3 (MANE Select); coding-DNA position 830, G replaced by A.
Protein change: p.Trp277Ter; replaces tryptophan 277 with a stop codon.
Molecular consequence: nonsense.
Genome position (GRCh38, 1-based): chr4:157,321,547, G>A. VCF-style: chr4-157321547-G-A. GRCh37 (hg19) VCF-style: chr4-158242699-G-A.
Other names: c.830G>A, p.Trp277Ter (NM_000826.6); c.689G>A, p.Trp230Ter (NM_001083620.3, NM_001379000.3, NM_001379001.3); short protein forms W230*, W277*.
Identifiers: ClinVar variation 2576545 (VCV002576545.2), dbSNP rs2530690874, ClinGen allele CA358646350.

ClinVar aggregate classification (germline): Likely pathogenic (1 of 4 stars; one submission).

Conditions:
Neurodevelopmental disorder with language impairment and behavioral abnormalities. Also called: GRIA2-related neurodevelopmental disorder. Identifiers: MedGen C5394502, MONDO:0030060, OMIM 618917.

Submission:

Institute of Human Genetics, University of Leipzig Medical Center
Classification: Likely pathogenic for Neurodevelopmental disorder with language impairment and behavioral abnormalities. Last evaluated: 2023-08-01. Review status: criteria provided, single submitter. Criteria: ACMG Guidelines, 2015. Collection method: clinical testing. Allele origin: paternal. Inheritance: Autosomal dominant inheritance. Affected: yes.
Comment: Criteria applied: PVS1, PM2_SUP